The following is an entry in ClinVar:

NM_001065.4(TNFRSF1A):c.249G>A (p.Glu83=)

Gene: TNFRSF1A (TNF receptor superfamily member 1A; minus strand). Cytogenetic location: 12p13.31.
Variant type: single nucleotide variant.
Coding change: c.249G>A on transcript NM_001065.4 (MANE Select); coding-DNA position 249, G replaced by A.
Protein change: p.Glu83=; no amino-acid change (glutamic acid 83 retained).
Molecular consequence: synonymous variant. On other transcripts: 5 prime UTR variant (2), non-coding transcript variant (1).
Genome position (GRCh38, 1-based): chr12:6,333,810, C>T on the plus strand (G>A on the coding strand, the complement: TNFRSF1A is on the minus strand). VCF-style: chr12-6333810-C-T. GRCh37 (hg19) VCF-style: chr12-6442976-C-T.
Other names: c.-76G>A (NM_001346091.2); c.-329G>A (NM_001346092.2).
Identifiers: ClinVar variation 97671 (VCV000097671.58), dbSNP rs104895265, ClinGen allele CA280772.

ClinVar aggregate classification (germline): Conflicting classifications of pathogenicity. Review status: criteria provided, conflicting classifications (1 of 4 stars). 9 submissions from 9 submitters: Uncertain significance (2); Benign (2); Likely benign (3). 2 of the submissions do not count toward it. Last evaluated 2026-04-15.

Conditions:
TNFRSF1A-related disorder. Also called: TNFRSF1A-related condition.
Autoinflammatory syndrome. Identifiers: Orphanet 93665, MedGen C3890737, MONDO:0019751.
TNF receptor-associated periodic fever syndrome (TRAPS) (FPF). Also called: FAMILIAL HIBERNIAN FEVER; TNF RECEPTOR-ASSOCIATED PERIODIC SYNDROME; TUMOR NECROSIS FACTOR RECEPTOR-ASSOCIATED PERIODIC SYNDROME; TNF Receptor-Associated Periodic Fever Syndrome; TNF receptor 1-associated periodic fever syndrome; Autosomal Dominant Familial Periodic Fever. Identifiers: Orphanet 32960, MedGen C1275126, MONDO:0007727, OMIM 142680.

Allele frequency attached by ClinVar (database versions not stated): ESP Exome Variant Server 0.00008; gnomAD 0.00010 and 0.00014; gnomAD exomes 0.00010 and 0.00013; ExAC 0.00019; TOPMed 0.00021; 1000 Genomes Project 0.00040; 1000 Genomes Project 30x 0.00047.

Submissions (9):

Women's Health and Genetics/Laboratory Corporation of America, LabCorp
Classification: Benign. Last evaluated: 2026-04-15. Review status: criteria provided, single submitter. Criteria: LabCorp Variant Classification Summary - May 2015. Collection method: clinical testing. Allele origin: germline.

Labcorp Genetics (formerly Invitae), Labcorp
Classification: Likely benign for TNF receptor-associated periodic fever syndrome (TRAPS). Last evaluated: 2025-10-13. Review status: criteria provided, single submitter. Criteria: Invitae Variant Classification Sherloc (09022015). Collection method: clinical testing. Allele origin: germline.

Blueprint Genetics
Classification: Likely benign. Last evaluated: 2024-10-30. Review status: criteria provided, single submitter. Criteria: ACMG Guidelines, 2015. Collection method: clinical testing. Allele origin: germline.

CeGaT Center for Human Genetics Tuebingen
Classification: Likely benign. Last evaluated: 2023-04-01. Review status: criteria provided, single submitter. Criteria: CeGaT Center For Human Genetics Tuebingen Variant Classification Criteria Version 2. Collection method: clinical testing. Allele origin: germline. Affected: yes. Observed: 2 variant alleles.
Comment: TNFRSF1A: BP4, BP7

Illumina Laboratory Services, Illumina
Classification: Uncertain significance for TNF receptor-associated periodic fever syndrome (TRAPS). Last evaluated: 2018-01-13. Review status: criteria provided, single submitter. Criteria: ICSL Variant Classification Criteria 13 December 2019. Collection method: clinical testing. Allele origin: germline.

Genome Diagnostics Laboratory, The Hospital for Sick Children
Classification: Uncertain significance for Autoinflammatory syndrome. Last evaluated: 2016-12-12. Review status: criteria provided, single submitter. Criteria: ACMG Guidelines, 2015. Collection method: clinical testing. Allele origin: germline. Affected: yes.

GeneDx
Classification: Benign. Last evaluated: 2015-03-03. Review status: criteria provided, single submitter. Criteria: GeneDx Variant Classification Process June 2021. Collection method: clinical testing. Allele origin: germline. Affected: yes.

PreventionGenetics, part of Exact Sciences
Classification: Likely benign for TNFRSF1A-related condition. Last evaluated: 2021-02-09. Review status: no assertion criteria provided. Collection method: clinical testing. Allele origin: germline. Not counted in ClinVar's aggregate classification.
Comment: This variant is classified as likely benign based on ACMG/AMP sequence variant interpretation guidelines (Richards et al. 2015 PMID: 25741868, with internal and published modifications).

Unité médicale des maladies autoinflammatoires, CHRU Montpellier
No classification provided. Condition: TNF receptor-associated periodic fever syndrome (TRAPS). Review status: no classification provided. Collection method: not provided. Allele origin: unknown. Not counted in ClinVar's aggregate classification.